The following is an entry in ClinVar:

NM_003072.5(SMARCA4):c.696_719dup (p.229_230GP[12])

Gene: SMARCA4 (SWI/SNF related BAF chromatin remodeling complex subunit ATPase 4; plus strand). Cytogenetic location: 19p13.2.
Variant type: Duplication.
Coding change: c.696_719dup on transcript NM_003072.5 (MANE Select); coding-DNA positions 696 to 719, 24 bases duplicated (TGGCCCTGGCCCTGGCCCCGGCCC).
Protein change: p.229_230GP[12].
Molecular consequence: inframe insertion. On other transcripts: non-coding transcript variant (1).
Genome position (GRCh38, 1-based): chr19:10,986,529-10,986,552, TGGCCCTGGCCCTGGCCCCGGCCC duplicated; duplicating any 24 consecutive bases within chr19:10,986,521-10,986,552 gives the same sequence; the c. name uses the placement nearest the transcript's 3' end. VCF-style (leftmost placement, unchanged base first): chr19-10986520-A-ACCCGGCCCTGGCCCTGGCCCTGGC. GRCh37 (hg19) VCF-style: chr19-11097196-A-ACCCGGCCCTGGCCCTGGCCCTGGC.
Other names: c.696_719dup, p.229_230GP[12] (NM_001128844.3, NM_001128845.2, NM_001128846.2 and 4 more transcripts); c.696_719dup24 (NM_001128849.1); c.696_719dup (NM_001128849.1).
Identifiers: ClinVar variation 826729 (VCV000826729.13), dbSNP rs1568423251, ClinGen allele CA915952561.

ClinVar aggregate classification (germline): Conflicting classifications of pathogenicity. Review status: criteria provided, conflicting classifications (1 of 4 stars). 3 submissions from 3 submitters: Uncertain significance (2); Benign (1). Last evaluated 2026-05-27.

Conditions:
SMARCA4-related disorder. Also called: SMARCA4-related condition.
Rhabdoid tumor predisposition syndrome 2 (RTPS2). Identifiers: Orphanet 231108, Orphanet 69077, MedGen C2750074, MONDO:0013224, OMIM 613325.
Hereditary cancer-predisposing syndrome. Also called: Neoplastic Syndromes, Hereditary; Hereditary Cancer Syndrome; Tumor predisposition; Hereditary neoplastic syndrome. Identifiers: Orphanet 140162, MedGen C0027672, MeSH D009386, MONDO:0015356.

Submissions (3):

PreventionGenetics, part of Exact Sciences
Classification: Uncertain significance for SMARCA4-related condition. Last evaluated: 2026-05-27. Review status: criteria provided, single submitter. Criteria: ACMG Guidelines, 2015. Collection method: clinical testing. Allele origin: germline.
Comment: The SMARCA4 c.696_719dup24 variant is predicted to result in an in-frame duplication (p.Gly237_Pro244dup). To our knowledge, this variant has not been reported in the literature or in a large population database (gnomAD), indicating this variant is rare. At this time, the clinical significance of this variant is uncertain due to the absence of conclusive functional and genetic evidence.

Labcorp Genetics (formerly Invitae), Labcorp
Classification: Uncertain significance for Rhabdoid tumor predisposition syndrome 2. Last evaluated: 2025-10-28. Review status: criteria provided, single submitter. Criteria: Invitae Variant Classification Sherloc (09022015). Collection method: clinical testing. Allele origin: germline.
Comment: This variant, c.696_719dup, results in the insertion of 8 amino acid(s) of the SMARCA4 protein (p.Gly237_Pro244dup), but otherwise preserves the integrity of the reading frame. This variant is not present in population databases (gnomAD no frequency). This variant has not been reported in the literature in individuals affected with SMARCA4-related conditions. ClinVar contains an entry for this variant (Variation ID: 826729). Experimental studies and prediction algorithms are not available or were not evaluated, and the functional significance of this variant is currently unknown. In summary, the available evidence is currently insufficient to determine the role of this variant in disease. Therefore, it has been classified as a Variant of Uncertain Significance.

Ambry Genetics
Classification: Benign for Hereditary cancer-predisposing syndrome. Last evaluated: 2023-01-12. Review status: criteria provided, single submitter. Criteria: Ambry Variant Classification Scheme 2023. Collection method: clinical testing. Allele origin: germline.